The following is an entry in ClinVar:

NM_000219.6(KCNE1):c.194A>T (p.Tyr65Phe)

Gene: KCNE1 (potassium voltage-gated channel subfamily E regulatory subunit 1; minus strand). Cytogenetic location: 21q22.12.
Variant type: single nucleotide variant.
Coding change: c.194A>T on transcript NM_000219.6 (MANE Select); coding-DNA position 194, A replaced by T.
Protein change: p.Tyr65Phe; replaces tyrosine 65 with phenylalanine.
Molecular consequence: missense variant.
Genome position (GRCh38, 1-based): chr21:34,449,441, T>A on the plus strand (A>T on the coding strand, the complement: KCNE1 is on the minus strand). VCF-style: chr21-34449441-T-A. GRCh37 (hg19) VCF-style: chr21-35821739-T-A.
Other names: c.194A>T, p.Tyr65Phe (NM_001127668.4, NM_001127669.4, NM_001127670.4 and 4 more transcripts); short protein forms Y65F.
Identifiers: ClinVar variation 3374299 (VCV003374299.2).
Genomic context (GRCh38, chr21:34,449,441, plus strand): 5'-TCGGACTCGATGTAGACGTTGAATGGGTCGTTCGAGTGCTCCAGCTTCTTGGAGCGGATG[T>A]AGCTCAGCATGATGCCCAGGGTGAAGAAGCCGAAGAATCCCAGTACCATGAGGACGTAGA-3'
Protein context (NP_000210.2, residues 55-75): GFFTLGIMLS[Tyr65Phe]IRSKKLEHSN

Conditions:
Long QT syndrome 5 (LQT5). Identifiers: Orphanet 101016, Orphanet 768, MedGen C1867904, MONDO:0013372, OMIM 613695.

Submission:

Roden Lab, Vanderbilt University Medical Center
No classification provided (evidence only). Condition: Long QT syndrome 5. Review status: no classification provided. Collection method: in vitro. Allele origin: not applicable. Functional consequence: Effect on ion channel function.
ClinVar note: "not provided" was previously submitted as the classification for the variant. However, the classification appeared to be based only on an observation of functional data so it was converted to no classification on 2025-07-30.